The following is an entry in ClinVar:

NM_001037333.3(CYFIP2):c.2593C>T (p.Arg865Trp)

Gene: CYFIP2 (cytoplasmic FMR1 interacting protein 2; plus strand). Cytogenetic location: 5q33.3.
Variant type: single nucleotide variant.
Coding change: c.2593C>T on transcript NM_001037333.3 (MANE Select); coding-DNA position 2593, C replaced by T.
Protein change: p.Arg865Trp; replaces arginine 865 with tryptophan.
Molecular consequence: missense variant.
Genome position (GRCh38, 1-based): chr5:157,341,077, C>T. VCF-style: chr5-157341077-C-T. GRCh37 (hg19) VCF-style: chr5-156768085-C-T.
Other names: c.2515C>T, p.Arg839Trp (NM_001291721.2); c.2668C>T, p.Arg890Trp (NM_001291722.2); c.2593C>T, p.Arg865Trp (NM_014376.4); short protein forms R839W, R865W, R890W.
Identifiers: ClinVar variation 5017237 (VCV005017237.1).

ClinVar aggregate classification (germline): Uncertain significance (1 of 4 stars; one submission).

gnomAD v4.1: 1 of 1,613,768 alleles (0.000062%); highest among the groups gnomAD compares: Admixed American, 0.0017%; no homozygotes.

Submission:

GeneDx
Classification: Uncertain significance. Last evaluated: 2026-03-23. Review status: criteria provided, single submitter. Criteria: GeneDx Variant Classification Process June 2021. Collection method: clinical testing. Allele origin: germline.
Comment: Not observed at significant frequency in large population cohorts (gnomAD); In silico analysis supports that this missense variant has a deleterious effect on protein structure/function; Has not been previously published as pathogenic or benign to our knowledge